The following is an entry in ClinVar:

ClinVar aggregate classification (germline): Uncertain significance (1 of 4 stars; one submission).

Conditions:
Primary dilated cardiomyopathy (DCM). Also called: Dilated Cardiomyopathy. Identifiers: Orphanet 217604, MedGen C0007193, MeSH D002311, MONDO:0005021, HP:0001644. Inheritance: Various modes of inheritance.
Hypertrophic cardiomyopathy. Also called: HYPERTROPHIC MYOCARDIOPATHY. Identifiers: Orphanet 217569, MedGen C0007194, MeSH D002312, MONDO:0005045, HP:0001639.

Allele frequency attached by ClinVar (database versions not stated): ExAC 0.00001; gnomAD exomes 0.00001.

Submission:

Labcorp Genetics (formerly Invitae), Labcorp
Classification: Uncertain significance for Hypertrophic cardiomyopathy; Primary dilated cardiomyopathy. Last evaluated: 2020-03-03. Review status: criteria provided, single submitter. Criteria: Invitae Variant Classification Sherloc (09022015). Collection method: clinical testing. Allele origin: germline.
Comment: In summary, the available evidence is currently insufficient to determine the role of this variant in disease. Therefore, it has been classified as a Variant of Uncertain Significance. The current clinical and genetic evidence is not sufficient to establish whether loss-of-function variants in PDLIM3 cause disease. Algorithms developed to predict the effect of sequence changes on RNA splicing suggest that this variant may disrupt the consensus splice site, but this prediction has not been confirmed by published transcriptional studies. This variant has not been reported in the literature in individuals with PDLIM3-related conditions. This variant is present in population databases (rs748290083, ExAC 0.01%). This sequence change affects an acceptor splice site in intron 5 of the PDLIM3 gene. It is expected to disrupt RNA splicing and likely results in an absent or disrupted protein product.

NM_014476.6(PDLIM3):c.663-1G>A

Gene: PDLIM3 (PDZ and LIM domain 3; minus strand). Cytogenetic location: 4q35.1.
Variant type: single nucleotide variant.
Coding change: c.663-1G>A on transcript NM_014476.6 (MANE Select); the canonical splice acceptor site of the intron before coding-DNA position 663, G replaced by A.
Molecular consequence: splice acceptor variant.
Genome position (GRCh38, 1-based): chr4:185,506,653, C>T on the plus strand (G>A on the coding strand, the complement: PDLIM3 is on the minus strand). VCF-style: chr4-185506653-C-T. GRCh37 (hg19) VCF-style: chr4-186427807-C-T.
Other names: c.162-1G>A (NM_001257963.2); c.399-1G>A (NM_001257962.2); c.519-1G>A (NM_001114107.5).
Identifiers: ClinVar variation 1043190 (VCV001043190.7), dbSNP rs748290083, ClinGen allele CA3159730.